The following is an entry in ClinVar:

ClinVar aggregate classification (germline): Uncertain significance (1 of 4 stars; one submission).

Allele frequency attached by ClinVar (database versions not stated): TOPMed below 0.00001.
gnomAD v4.1: 3 of 1,614,052 alleles (0.00019%); highest among the groups gnomAD compares: East Asian, 0.0022%; no homozygotes.

Submission:

Laboratory for Molecular Medicine, Mass General Brigham Personalized Medicine
Classification: Uncertain significance. Last evaluated: 2013-06-02. Review status: criteria provided, single submitter. Criteria: LMM Criteria. Collection method: clinical testing. Allele origin: germline. Observed: 1 variant allele.
Comment: The Arg78Ser variant in TMPRSS3 has not been reported in individuals with hearin g loss or in large population studies. Computational analyses (biochemical amino acid properties, conservation, AlignGVGD, PolyPhen2, and SIFT) do not provide s trong support for or against an impact to the protein. In summary, additional da ta is needed to determine the clinical significance of this variant.

NM_001256317.3(TMPRSS3):c.234A>C (p.Arg78Ser)

Gene: TMPRSS3 (transmembrane serine protease 3; minus strand). Cytogenetic location: 21q22.3.
Variant type: single nucleotide variant.
Coding change: c.234A>C on transcript NM_001256317.3 (MANE Select); coding-DNA position 234, A replaced by C.
Protein change: p.Arg78Ser; replaces arginine 78 with serine.
Molecular consequence: missense variant. On other transcripts: 5 prime UTR variant (1).
Genome position (GRCh38, 1-based): chr21:42,389,017, T>G on the plus strand (A>C on the coding strand, the complement: TMPRSS3 is on the minus strand). VCF-style: chr21-42389017-T-G. GRCh37 (hg19) VCF-style: chr21-43809126-T-G.
Other names: c.234A>C, p.Arg78Ser (NM_024022.4, NM_032405.2); c.-148A>C (NM_032404.3); short protein forms R78S.
Identifiers: ClinVar variation 178997 (VCV000178997.5), dbSNP rs567503320, ClinGen allele CA183456.